The following is an entry in ClinVar:

ClinVar aggregate classification (germline): Uncertain significance (1 of 4 stars; one submission).

Conditions:
Inborn genetic diseases. Identifiers: MedGen C0950123, MeSH D030342.

Submission:

Ambry Genetics
Classification: Uncertain significance for Inborn genetic diseases. Last evaluated: 2025-01-27. Review status: criteria provided, single submitter. Criteria: Ambry Variant Classification Scheme 2023. Collection method: clinical testing. Allele origin: germline.
Comment: The p.V1589L variant (also known as c.4765G>C), located in coding exon 1 of the SAMD9 gene, results from a G to C substitution at nucleotide position 4765. The valine at codon 1589 is replaced by leucine, an amino acid with highly similar properties. This amino acid position is conserved. In addition, this alteration is predicted to be tolerated by in silico analysis. Based on the available evidence, the clinical significance of this variant remains unclear.

NM_017654.4(SAMD9):c.4765G>C (p.Val1589Leu)

Gene: SAMD9 (sterile alpha motif domain containing 9; minus strand). Cytogenetic location: 7q21.2.
Variant type: single nucleotide variant.
Coding change: c.4765G>C on transcript NM_017654.4 (MANE Select); coding-DNA position 4765, G replaced by C.
Protein change: p.Val1589Leu; replaces valine 1589 with leucine.
Molecular consequence: missense variant.
Genome position (GRCh38, 1-based): chr7:93,101,333, C>G on the plus strand (G>C on the coding strand, the complement: SAMD9 is on the minus strand). VCF-style: chr7-93101333-C-G. GRCh37 (hg19) VCF-style: chr7-92730646-C-G.
Other names: c.4765G>C, p.Val1589Leu (NM_001193307.2); short protein forms V1589L.
Identifiers: ClinVar variation 3792029 (VCV003792029.1).
Genomic context (GRCh38, chr7:93,101,333, plus strand): 5'-CAAAAAAATTAAATGGGTACTGAGATCAAATTCTTGGAGGAAGAATATCAGGCTCTTAAA[C>G]AATTTCAATGTCATAAGCAAGTGGGCCTCCAATGGAAAATCCCAGGTAAAAAGACACCTT-3'
Protein context (NP_060124.2, residues 1579-1589): GGPLAYDIEI[Val1589Leu]